The following is an entry in ClinVar:

ClinVar aggregate classification (germline): Uncertain significance (1 of 4 stars; one submission).

Submission:

GeneDx
Classification: Uncertain significance. Last evaluated: 2021-09-02. Review status: criteria provided, single submitter. Criteria: GeneDx Variant Classification Process June 2021. Collection method: clinical testing. Allele origin: germline. Affected: yes.
Comment: Not observed at significant frequency in large population cohorts (gnomAD); In-frame deletion of 1 amino acid in a non-repeat region; In silico analysis supports a deleterious effect on protein structure/function; Has not been previously published as pathogenic or benign to our knowledge

NM_001197104.2(KMT2A):c.11720TCA[1] (p.Ile3908del)

Genes: KMT2A (lysine methyltransferase 2A; plus strand), TTC36-AS1 (TTC36 and KMT2A antisense RNA 1; minus strand). Cytogenetic location: 11q23.3.
Variant type: Microsatellite.
Coding change: c.11720TCA[1] on transcript NM_001197104.2 (MANE Select); one copy of the 3-base unit TCA starting at c.11720; the reference has two copies in a row; one copy, 3 bases deleted.
Protein change: p.Ile3908del; deletes isoleucine 3908.
Molecular consequence: inframe deletion.
Genome position (GRCh38, 1-based): chr11:118,521,976-118,521,978, TCA deleted; deleting any 3 consecutive bases within chr11:118,521,973-118,521,978 gives the same sequence; the position shown is the placement nearest the transcript's 3' end. VCF-style (leftmost placement, unchanged base first): chr11-118521972-TTCA-T. GRCh37 (hg19) VCF-style: chr11-118392687-TTCA-T.
Other names: c.11711TCA[1], p.Ile3905del (NM_005933.4); short protein forms I3905del, I3908del.
Identifiers: ClinVar variation 1343888 (VCV001343888.2), dbSNP rs2135298611, ClinGen allele CA2580615090.